The following is an entry in ClinVar:

NM_000222.3(KIT):c.677G>A (p.Gly226Glu)

Gene: KIT (KIT proto-oncogene, receptor tyrosine kinase; plus strand). Cytogenetic location: 4q12.
Variant type: single nucleotide variant.
Coding change: c.677G>A on transcript NM_000222.3 (MANE Select); coding-DNA position 677, G replaced by A.
Protein change: p.Gly226Glu; replaces glycine 226 with glutamic acid.
Molecular consequence: missense variant.
Genome position (GRCh38, 1-based): chr4:54,699,687, G>A. VCF-style: chr4-54699687-G-A. GRCh37 (hg19) VCF-style: chr4-55565853-G-A.
Other names: c.677G>A, p.Gly226Glu (NM_001093772.2, NM_001385284.1, NM_001385285.1 and 4 more transcripts); short protein forms G226E.
Identifiers: ClinVar variation 654379 (VCV000654379.2), dbSNP rs1577958652, ClinGen allele CA356898299.

ClinVar aggregate classification (germline): Uncertain significance. Review status: criteria provided, multiple submitters, no conflicts (2 of 4 stars). 2 submissions from 2 submitters: Uncertain significance (2). Last evaluated 2024-02-28.

Conditions:
Acute myeloid leukemia (AML). Also called: Acute myeloid leukemia, adult; AML adult; Acute non-lymphocytic leukemia; Acute granulocytic leukemia; Leukemia, acute myeloid, somatic; Leukemia, acute myelogenous, somatic. Identifiers: Orphanet 519, MedGen C0023467, MeSH D015470, MONDO:0018874, OMIM 601626, HP:0004808. Disease mechanism: Constitutively activated FLT3.
Piebaldism. Also called: Piebald skin depigmentation. Identifiers: Orphanet 2884, MedGen C0080024, MONDO:0008244, OMIM 172800, HP:0007544.
Gastrointestinal stromal tumor. Also called: Gastrointestinal stroma tumor; Gastrointestinal stromal tumor, somatic. Identifiers: Orphanet 44890, MedGen C0238198, MeSH D046152, MONDO:0011719, OMIM 606764, HP:0100723.
Cutaneous mastocytosis. Also called: MASTOCYTOSIS, MACULOPAPULAR CUTANEOUS. Identifiers: Orphanet 66646, MedGen C1136033, MONDO:0019023, OMIM 154800, HP:0200151.
Germ cell tumor of testis (TGCT). Also called: GERM CELL TUMOR, SOMATIC; Testicular germ cell tumor. Identifiers: Orphanet 363504, MedGen C1336708, MONDO:0010108, OMIM 273300.

Submissions (2):

Fulgent Genetics
Classification: Uncertain significance for Cutaneous mastocytosis; Piebaldism; Germ cell tumor of testis; Acute myeloid leukemia; Gastrointestinal stromal tumor. Last evaluated: 2024-02-28. Review status: criteria provided, single submitter. Criteria: ACMG Guidelines, 2015. Collection method: clinical testing. Allele origin: germline.

Labcorp Genetics (formerly Invitae), Labcorp
Classification: Uncertain significance for Gastrointestinal stroma tumor. Last evaluated: 2018-12-26. Review status: criteria provided, single submitter. Criteria: Invitae Variant Classification Sherloc (09022015). Collection method: clinical testing. Allele origin: germline.
Comment: This sequence change replaces glycine with glutamic acid at codon 226 of the KIT protein (p.Gly226Glu). The glycine residue is highly conserved and there is a moderate physicochemical difference between glycine and glutamic acid. This variant is not present in population databases (ExAC no frequency). This variant has not been reported in the literature in individuals with KIT-related disease. Algorithms developed to predict the effect of missense changes on protein structure and function (SIFT, PolyPhen-2, Align-GVGD) all suggest that this variant is likely to be disruptive, but these predictions have not been confirmed by published functional studies and their clinical significance is uncertain. In summary, the available evidence is currently insufficient to determine the role of this variant in disease. Therefore, it has been classified as a Variant of Uncertain Significance.